The following is an entry in ClinVar:

NM_000368.5(TSC1):c.803A>G (p.Glu268Gly)

Gene: TSC1 (TSC complex subunit 1; minus strand). Cytogenetic location: 9q34.13.
Variant type: single nucleotide variant.
Coding change: c.803A>G on transcript NM_000368.5 (MANE Select); coding-DNA position 803, A replaced by G.
Protein change: p.Glu268Gly; replaces glutamic acid 268 with glycine.
Molecular consequence: missense variant. On other transcripts: 5 prime UTR variant (5), non-coding transcript variant (5).
Genome position (GRCh38, 1-based): chr9:132,912,392, T>C on the plus strand (A>G on the coding strand, the complement: TSC1 is on the minus strand). VCF-style: chr9-132912392-T-C. GRCh37 (hg19) VCF-style: chr9-135787779-T-C.
Other names: c.803A>G, p.Glu268Gly (NM_001162426.2, NM_001406592.1, NM_001406593.1 and 16 more transcripts); c.650A>G, p.Glu217Gly (NM_001162427.2, NM_001406610.1, NM_001406611.1 and 2 more transcripts); c.440A>G, p.Glu147Gly (NM_001362177.2, NM_001406614.1, NM_001406615.1 and 10 more transcripts); c.-149A>G (NM_001406626.1, NM_001406627.1, NM_001406628.1); c.-291A>G (NM_001406629.1, NM_001406630.1); short protein forms E147G, E217G, E268G.
Identifiers: ClinVar variation 3231331 (VCV003231331.1), dbSNP rs2538894054, ClinGen allele CA375369470.

ClinVar aggregate classification (germline): Uncertain significance (1 of 4 stars; one submission).

Conditions:
Hereditary cancer-predisposing syndrome. Also called: Neoplastic Syndromes, Hereditary; Tumor predisposition; Hereditary neoplastic syndrome; Hereditary Cancer Syndrome. Identifiers: Orphanet 140162, MedGen C0027672, MeSH D009386, MONDO:0015356.

Submission:

Ambry Genetics
Classification: Uncertain significance for Hereditary cancer-predisposing syndrome. Last evaluated: 2023-12-30. Review status: criteria provided, single submitter. Criteria: Ambry Variant Classification Scheme 2023. Collection method: clinical testing. Allele origin: germline.
Comment: The p.E268G variant (also known as c.803A>G), located in coding exon 7 of the TSC1 gene, results from an A to G substitution at nucleotide position 803. The glutamic acid at codon 268 is replaced by glycine, an amino acid with similar properties. This amino acid position is conserved. In addition, this alteration is predicted to be deleterious by in silico analysis. Since supporting evidence is limited at this time, the clinical significance of this alteration remains unclear.